The following is an entry in ClinVar:

NM_003482.4(KMT2D):c.10179G>A (p.Pro3393=)

Gene: KMT2D (lysine methyltransferase 2D; minus strand). Cytogenetic location: 12q13.12.
Variant type: single nucleotide variant.
Coding change: c.10179G>A on transcript NM_003482.4 (MANE Select); coding-DNA position 10179, G replaced by A.
Protein change: p.Pro3393=; no amino-acid change (proline 3393 retained).
Molecular consequence: synonymous variant.
Genome position (GRCh38, 1-based): chr12:49,037,177, C>T on the plus strand (G>A on the coding strand, the complement: KMT2D is on the minus strand). VCF-style: chr12-49037177-C-T. GRCh37 (hg19) VCF-style: chr12-49430960-C-T.
Identifiers: ClinVar variation 309034 (VCV000309034.39), dbSNP rs368612015, ClinGen allele CA6546594.

ClinVar aggregate classification (germline): Benign/Likely benign. Review status: criteria provided, multiple submitters, no conflicts (2 of 4 stars). 3 submissions from 3 submitters: Benign (1); Likely benign (1). 1 of the submissions does not count toward it. Last evaluated 2025-11-03.

Conditions:
KMT2D-related disorder. Also called: KMT2D-Related Disorders.
Kabuki syndrome. Also called: NIIKAWA-KUROKI SYNDROME; Kabuki make-up syndrome. Identifiers: Orphanet 2322, MedGen C0796004, MONDO:0016512.

Allele frequency attached by ClinVar (database versions not stated): gnomAD 0.00006 and 0.00007; TOPMed 0.00008; ExAC 0.00013; gnomAD exomes 0.00015; ESP Exome Variant Server 0.00016.

Submissions (3):

Labcorp Genetics (formerly Invitae), Labcorp
Classification: Benign for Kabuki syndrome. Last evaluated: 2025-11-03. Review status: criteria provided, single submitter. Criteria: Invitae Variant Classification Sherloc (09022015). Collection method: clinical testing. Allele origin: germline.

CeGaT Center for Human Genetics Tuebingen
Classification: Likely benign. Last evaluated: 2025-03-01. Review status: criteria provided, single submitter. Criteria: CeGaT Center For Human Genetics Tuebingen Variant Classification Criteria Version 2. Collection method: clinical testing. Allele origin: germline. Affected: yes. Observed: 2 variant alleles.
Comment: KMT2D: BP4, BP7

PreventionGenetics, part of Exact Sciences
Classification: Likely benign for KMT2D-related condition. Last evaluated: 2022-08-01. Review status: no assertion criteria provided. Collection method: clinical testing. Allele origin: germline. Not counted in ClinVar's aggregate classification.
Comment: This variant is classified as likely benign based on ACMG/AMP sequence variant interpretation guidelines (Richards et al. 2015 PMID: 25741868, with internal and published modifications).